The following is an entry in ClinVar:

NM_031844.3(HNRNPU):c.288C>T (p.Ile96=)

Gene: HNRNPU (heterogeneous nuclear ribonucleoprotein U; minus strand). Cytogenetic location: 1q44.
Variant type: single nucleotide variant.
Coding change: c.288C>T on transcript NM_031844.3 (MANE Select); coding-DNA position 288, C replaced by T.
Protein change: p.Ile96=; no amino-acid change (isoleucine 96 retained).
Molecular consequence: synonymous variant.
Genome position (GRCh38, 1-based): chr1:244,864,020, G>A on the plus strand (C>T on the coding strand, the complement: HNRNPU is on the minus strand). VCF-style: chr1-244864020-G-A. GRCh37 (hg19) VCF-style: chr1-245027322-G-A.
Other names: p.Ile96=; c.288C>T, p.Ile96= (NM_004501.3).
Identifiers: ClinVar variation 414096 (VCV000414096.13), dbSNP rs746145300, ClinGen allele CA1486827.

ClinVar aggregate classification (germline): Likely benign. Review status: criteria provided, multiple submitters, no conflicts (2 of 4 stars). 3 submissions from 3 submitters: Likely benign (3). Last evaluated 2026-01-24.

Conditions:
HNRNPU-related disorder. Also called: HNRNPU-related condition.
Developmental and epileptic encephalopathy, 54. Also called: HNRNPU-Related Neurodevelopmental Disorder; Epileptic encephalopathy, early infantile, 54. Identifiers: MedGen C4479319, MONDO:0033363, OMIM 617391.

Allele frequency attached by ClinVar (database versions not stated): gnomAD 0.00001; gnomAD exomes 0.00001 and 0.00005; ExAC 0.00002; TOPMed 0.00002.
gnomAD v4.1: 18 of 1,612,886 alleles (0.0011%); highest among the groups gnomAD compares: Admixed American, 0.025%; no homozygotes.

Submissions (3):

Labcorp Genetics (formerly Invitae), Labcorp
Classification: Likely benign for Developmental and epileptic encephalopathy, 54. Last evaluated: 2026-01-24. Review status: criteria provided, single submitter. Criteria: Invitae Variant Classification Sherloc (09022015). Collection method: clinical testing. Allele origin: germline.

Mayo Clinic Laboratories, Mayo Clinic
Classification: Likely benign. Last evaluated: 2025-03-25. Review status: criteria provided, single submitter. Criteria: ACMG Guidelines, 2015. Collection method: clinical testing. Allele origin: germline. Observed: 1 variant allele.
Comment: BP4, BP7

PreventionGenetics, part of Exact Sciences
Classification: Likely benign for HNRNPU-related condition. Last evaluated: 2025-03-08. Review status: criteria provided, single submitter. Criteria: ACMG Guidelines, 2015. Collection method: clinical testing. Allele origin: germline.
Comment: This variant is classified as likely benign based on ACMG/AMP sequence variant interpretation guidelines (Richards et al. 2015 PMID: 25741868, with internal and published modifications).